The following is an entry in ClinVar:

NM_001267550.2(TTN):c.72397del (p.Thr24133fs)

Genes: TTN (titin; minus strand), TTN-AS1 (TTN antisense RNA 1; plus strand). Cytogenetic location: 2q31.2.
Variant type: Deletion.
Coding change: c.72397del on transcript NM_001267550.2 (MANE Select); coding-DNA position 72397, one base deleted (A; older notation c.72397delA).
Protein change: p.Thr24133fs; shifts the reading frame from threonine 24133.
Molecular consequence: frameshift variant.
Genome position (GRCh38, 1-based): chr2:178,573,735, T deleted on the plus strand (A on the coding strand, the reverse complement: TTN is on the minus strand); the first of 2 consecutive T bases (chr2:178,573,735-178,573,736); deleting either gives the same sequence. VCF-style (leftmost placement, unchanged base first): chr2-178573734-GT-G. GRCh37 (hg19) VCF-style: chr2-179438461-GT-G.
Other names: c.67474del, p.Thr22492fs (NM_001256850.1); c.45202del, p.Thr15068fs (NM_003319.4); c.64693del, p.Thr21565fs (NM_133378.4); c.45577del, p.Thr15193fs (NM_133432.3); c.45778del, p.Thr15260fs (NM_133437.4); short protein forms T15068fs, T15193fs, T21565fs, T22492fs, T15260fs, T24133fs.
Identifiers: ClinVar variation 1519564 (VCV001519564.8), dbSNP rs2154171047, ClinGen allele CA2573134312.

ClinVar aggregate classification (germline): Likely pathogenic (1 of 4 stars; one submission).

Conditions:
Dilated cardiomyopathy 1G (CMD1G). Identifiers: Orphanet 154, MedGen C1858763, MONDO:0011400, OMIM 604145.
Autosomal recessive limb-girdle muscular dystrophy type 2J (LGMDR10). Also called: Limb-girdle muscular dystrophy, type 2J; MUSCULAR DYSTROPHY, LIMB-GIRDLE, AUTOSOMAL RECESSIVE 10. Identifiers: Orphanet 140922, MedGen C1837342, MONDO:0012127, OMIM 608807.

Submission:

Labcorp Genetics (formerly Invitae), Labcorp
Classification: Likely pathogenic for Dilated cardiomyopathy 1G; Autosomal recessive limb-girdle muscular dystrophy type 2J. Last evaluated: 2021-04-19. Review status: criteria provided, single submitter. Criteria: Invitae Variant Classification Sherloc (09022015). Collection method: clinical testing. Allele origin: germline.
Comment: In summary, the currently available evidence indicates that the variant is pathogenic, but additional data are needed to prove that conclusively. Therefore, this variant has been classified as Likely Pathogenic. This variant is located in the A band of TTN (PMID: 25589632). Truncating variants in this region are significantly overrepresented in patients affected with dilated cardiomyopathy (PMID: 25589632). Truncating variants in this region have also been reported in individuals affected with autosomal recessive centronuclear myopathy (PMID: 23975875). This variant has not been reported in the literature in individuals with TTN-related conditions. This variant is not present in population databases (ExAC no frequency). This sequence change creates a premature translational stop signal (p.Thr24133Leufs*3) in the TTN gene. While this is not anticipated to result in nonsense mediated decay, it is expected to create a truncated TTN protein.

Literature cited by the submitters: PubMed 25589632; PubMed 23975875.